The following is an entry in ClinVar:

ClinVar aggregate classification (germline): Uncertain significance (1 of 4 stars; one submission).

Conditions:
Hyperkalemic periodic paralysis. Also called: Familial hyperkalemic periodic paralysis; Gamstorp disease. Identifiers: Orphanet 682, MedGen C0238357, MONDO:0008224, OMIM 170500, HP:0007215.

gnomAD v4.1: 2 of 1,613,944 alleles (0.00012%); highest among the groups gnomAD compares: Non-Finnish European, 0.00017%; no homozygotes.

Submission:

Labcorp Genetics (formerly Invitae), Labcorp
Classification: Uncertain significance for Hyperkalemic periodic paralysis. Last evaluated: 2024-03-12. Review status: criteria provided, single submitter. Criteria: Invitae Variant Classification Sherloc (09022015). Collection method: clinical testing. Allele origin: germline.
Comment: This sequence change replaces tyrosine, which is neutral and polar, with cysteine, which is neutral and slightly polar, at codon 319 of the SCN4A protein (p.Tyr319Cys). This variant is not present in population databases (gnomAD no frequency). This variant has not been reported in the literature in individuals affected with SCN4A-related conditions. ClinVar contains an entry for this variant (Variation ID: 2170210). Advanced modeling of protein sequence and biophysical properties (such as structural, functional, and spatial information, amino acid conservation, physicochemical variation, residue mobility, and thermodynamic stability) has been performed at Invitae for this missense variant, however the output from this modeling did not meet the statistical confidence thresholds required to predict the impact of this variant on SCN4A protein function. In summary, the available evidence is currently insufficient to determine the role of this variant in disease. Therefore, it has been classified as a Variant of Uncertain Significance.

NM_000334.4(SCN4A):c.956A>G (p.Tyr319Cys)

Gene: SCN4A (sodium voltage-gated channel alpha subunit 4; minus strand). Cytogenetic location: 17q23.3.
Variant type: single nucleotide variant.
Coding change: c.956A>G on transcript NM_000334.4 (MANE Select); coding-DNA position 956, A replaced by G.
Protein change: p.Tyr319Cys; replaces tyrosine 319 with cysteine.
Molecular consequence: missense variant.
Genome position (GRCh38, 1-based): chr17:63,968,103, T>C on the plus strand (A>G on the coding strand, the complement: SCN4A is on the minus strand). VCF-style: chr17-63968103-T-C. GRCh37 (hg19) VCF-style: chr17-62045463-T-C.
Other names: short protein forms Y319C.
Identifiers: ClinVar variation 2170210 (VCV002170210.4), dbSNP rs757691952, ClinGen allele CA400637326.